The following is an entry in ClinVar:

GRCh37/hg19 20q13.33(chr20:62002791-62054955)x1

Gene: KCNQ2 (potassium voltage-gated channel subfamily Q member 2; minus strand). Cytogenetic location: 20q13.33.
Variant type: copy number loss.
Change: copy number 1 (one copy instead of two) of chr20:62,002,791-62,054,955 (52.2 kb, GRCh37 coordinates, 1-based), cytogenetic band 20q13.33.
Identifiers: ClinVar variation 2685651 (VCV002685651.1).

ClinVar aggregate classification (germline): Pathogenic (1 of 4 stars; one submission).

Submission:

Quest Diagnostics Nichols Institute San Juan Capistrano
Classification: Pathogenic. Last evaluated: 2022-10-24. Review status: criteria provided, single submitter. Criteria: ACMG/ClinGen CNV Guidelines, 2019. Collection method: clinical testing. Allele origin: unknown.
Comment: The copy number loss of 20q13.33 involves multiple exons (NM_172107.4) of the 3' portion of KCNQ2 (OMIM 602235). Haploinsufficiency of KCNQ2 is associated with autosomal dominant benign familial neonatal seizures-1 (BFNS1; OMIM 121200), with possible reduced penetrance and/or variable expressivity. There are multiple reports of deletions similar to or smaller than the current interval in patients with BFNS1 (Kim 2021, Lindy 2018, Sands 2016, Singh 1998, Singh 2003). Although there is at least one similar copy number loss of this region in the general populations of the Database of Genomic Variants, reduced penetrance of this phenotype precludes drawing conclusions from this similarity. Thus, this copy number variant (CNV) is classified as pathogenic. References: Kim et al., Genes Brain Behav. 2020 Jan;19(1):e12599. PMID: 31283873 Kim et al., Brain Dev. 2021 Feb;43(2):244-250. PMID: 32917465 Lindy et al., Epilepsia. 2018 May;59(5):1062-1071. PMID: 29655203 Sands et al., Epilepsia. 2016 Dec;57(12):2019-2030. PMID: 27888506 Singh et al., Nat Genet. 1998 Jan;18(1):25-9. PMID: 9425895 Singh et al., Brain. 2003 Dec;126(Pt 12):2726-37. PMID: 14534157